The following is an entry in ClinVar:

NM_000093.5(COL5A1):c.3296G>C (p.Gly1099Ala)

Gene: COL5A1 (collagen type V alpha 1 chain; plus strand). Cytogenetic location: 9q34.3.
Variant type: single nucleotide variant.
Coding change: c.3296G>C on transcript NM_000093.5 (MANE Select); coding-DNA position 3296, G replaced by C.
Protein change: p.Gly1099Ala; replaces glycine 1099 with alanine.
Molecular consequence: missense variant.
Genome position (GRCh38, 1-based): chr9:134,806,226, G>C. VCF-style: chr9-134806226-G-C. GRCh37 (hg19) VCF-style: chr9-137698072-G-C.
Other names: c.3296G>C, p.Gly1099Ala (NM_001278074.1); c.3296G>C (NM_000093.3); short protein forms G1099A.
Identifiers: ClinVar variation 1051116 (VCV001051116.11), dbSNP rs1315080321, ClinGen allele CA375451686.

ClinVar aggregate classification (germline): Uncertain significance. Review status: criteria provided, multiple submitters, no conflicts (2 of 4 stars). 2 submissions from 2 submitters: Uncertain significance (2). Last evaluated 2025-03-18.

Conditions:
Ehlers-Danlos syndrome, classic type, 1 (EDSCL1). Also called: EHLERS-DANLOS SYNDROME, GRAVIS TYPE; EHLERS-DANLOS SYNDROME, SEVERE CLASSIC TYPE; EDS I; Ehlers-Danlos Syndrome, Classic Type, COL5A1-Related; Ehlers-Danlos syndrome, type 1. Identifiers: MedGen C0268335, MONDO:0019567, OMIM 130000.

Allele frequency attached by ClinVar (database versions not stated): gnomAD exomes below 0.00001 and 0.00001.
gnomAD v4.1: 1 of 1,550,622 alleles (0.000064%); highest among the groups gnomAD compares: Admixed American, 0.002%; no homozygotes.

Submissions (2):

GeneDx
Classification: Uncertain significance. Last evaluated: 2025-03-18. Review status: criteria provided, single submitter. Criteria: GeneDx Variant Classification Process June 2021. Collection method: clinical testing. Allele origin: germline. Affected: yes.
Comment: Not observed at significant frequency in large population cohorts (gnomAD); In silico analysis supports that this missense variant has a deleterious effect on protein structure/function; Has not been previously published as pathogenic or benign to our knowledge; This variant is associated with the following publications: (PMID: 22696272)

Labcorp Genetics (formerly Invitae), Labcorp
Classification: Uncertain significance for Ehlers-Danlos syndrome, classic type, 1. Last evaluated: 2024-04-25. Review status: criteria provided, single submitter. Criteria: Invitae Variant Classification Sherloc (09022015). Collection method: clinical testing. Allele origin: germline.
Comment: This sequence change replaces glycine, which is neutral and non-polar, with alanine, which is neutral and non-polar, at codon 1099 of the COL5A1 protein (p.Gly1099Ala). This variant is present in population databases (no rsID available, gnomAD 0.004%). This variant has not been reported in the literature in individuals affected with COL5A1-related conditions. ClinVar contains an entry for this variant (Variation ID: 1051116). Advanced modeling of protein sequence and biophysical properties (such as structural, functional, and spatial information, amino acid conservation, physicochemical variation, residue mobility, and thermodynamic stability) performed at Invitae indicates that this missense variant is expected to disrupt COL5A1 protein function with a positive predictive value of 95%. This variant disrupts the triple helix domain of COL5A1. Glycine residues within the Gly-Xaa-Yaa repeats of the triple helix domain are required for the structure and stability of fibrillar collagens (PMID: 7695699, 8218237, 19344236), and variants at these glycine residues in COL5A1 are more frequently observed in individuals with disease than in the general population (PMID: 22696272, 23587214). However, the clinical significance of this observation remains uncertain since only a limited number of affected individuals have been described to date. In summary, the available evidence is currently insufficient to determine the role of this variant in disease. Therefore, it has been classified as a Variant of Uncertain Significance.

Literature cited by the submitters: PubMed 7695699 (cited by Labcorp Genetics (formerly Invitae), Labcorp); PubMed 8218237 (cited by Labcorp Genetics (formerly Invitae), Labcorp); PubMed 19344236 (cited by Labcorp Genetics (formerly Invitae), Labcorp); PubMed 22696272 (cited by Labcorp Genetics (formerly Invitae), Labcorp); PubMed 23587214 (cited by Labcorp Genetics (formerly Invitae), Labcorp).